The following is an entry in ClinVar:

NM_001100913.3(PACS2):c.504_505del (p.Glu168fs)

Gene: PACS2 (phosphofurin acidic cluster sorting protein 2; plus strand). Cytogenetic location: 14q32.33.
Variant type: Microsatellite.
Coding change: c.504_505del on transcript NM_001100913.3 (MANE Select); coding-DNA positions 504 to 505, 2 bases deleted (GA; older notation c.504_505delGA).
Protein change: p.Glu168fs; shifts the reading frame from glutamic acid 168.
Molecular consequence: frameshift variant.
Genome position (GRCh38, 1-based): chr14:105,367,293-105,367,294, GA deleted; deleting any 2 consecutive bases within chr14:105,367,291-105,367,294 gives the same sequence; the c. name uses the placement nearest the transcript's 3' end. VCF-style (leftmost placement, unchanged base first): chr14-105367290-CGA-C. GRCh37 (hg19) VCF-style: chr14-105833627-CGA-C.
Other names: c.303_304del, p.Glu101fs (NM_001243127.3); c.504_505del, p.Glu168fs (NM_015197.4); short protein forms E168fs, E101fs.
Identifiers: ClinVar variation 2710554 (VCV002710554.3), dbSNP rs2544691179, ClinGen allele CA2697554251.
Genomic context (GRCh38, chr14:105,367,290, plus strand): 5'-TGAAGGTGGCCAGGTGCTGAGCCTCTGCAGCAGCATCAAGGAGGCCCCCGTCAAGGCGGC[CGA>C]GATCTGGATCGCCTCCCTGTCCAGCCAGCCCATTGACCACGAAGACAGCACCATGCAGGC-3'

ClinVar aggregate classification (germline): Uncertain significance (1 of 4 stars; one submission).

Submission:

Labcorp Genetics (formerly Invitae), Labcorp
Classification: Uncertain significance. Last evaluated: 2024-01-21. Review status: criteria provided, single submitter. Criteria: Invitae Variant Classification Sherloc (09022015). Collection method: clinical testing. Allele origin: germline.
Comment: This sequence change creates a premature translational stop signal (p.Glu168Aspfs*12) in the PACS2 gene. It is expected to result in an absent or disrupted protein product. However, the current clinical and genetic evidence is not sufficient to establish whether loss-of-function variants in PACS2 cause disease. This variant is not present in population databases (gnomAD no frequency). This variant has not been reported in the literature in individuals affected with PACS2-related conditions. In summary, the available evidence is currently insufficient to determine the role of this variant in disease. Therefore, it has been classified as a Variant of Uncertain Significance.